The following is an entry in ClinVar:

ClinVar aggregate classification (germline): Uncertain significance (1 of 4 stars; one submission).

Submission:

GeneDx
Classification: Uncertain significance. Last evaluated: 2025-01-23. Review status: criteria provided, single submitter. Criteria: GeneDx Variant Classification Process June 2021. Collection method: clinical testing. Allele origin: germline. Affected: yes.
Comment: Not observed at significant frequency in large population cohorts (gnomAD); In silico analysis supports that this missense variant has a deleterious effect on protein structure/function; Has not been previously published as pathogenic or benign to our knowledge

NM_001395159.1(UNC79):c.2905C>T (p.Pro969Ser)

Gene: UNC79 (unc-79 homolog, NALCN channel complex subunit; plus strand). Cytogenetic location: 14q32.12.
Variant type: single nucleotide variant.
Coding change: c.2905C>T on transcript NM_001395159.1 (MANE Select); coding-DNA position 2905, C replaced by T.
Protein change: p.Pro969Ser; replaces proline 969 with serine.
Molecular consequence: missense variant.
Genome position (GRCh38, 1-based): chr14:93,586,781, C>T. VCF-style: chr14-93586781-C-T. GRCh37 (hg19) VCF-style: chr14-94053127-C-T.
Other names: c.2905C>T, p.Pro969Ser (NM_001346218.2); c.2374C>T, p.Pro792Ser (NM_020818.5); short protein forms P792S, P969S.
Identifiers: ClinVar variation 3372497 (VCV003372497.2).
Genomic context (GRCh38, chr14:93,586,781, plus strand): 5'-GTTTTGGATAACTTAGTAACCATGTGGTTTTTTGTATAGGAAATGGCTAAGTTTGAAGAG[C>T]CAGACATTCTTTTTAATATGCTCAATTGCCTGAAGATTCTCTGTCTGCATGGAGAATGTT-3'
Protein context (NP_001382088.1, residues 959-979): IFQEMAKFEE[Pro969Ser]DILFNMLNCL